The following is an entry in ClinVar:

NM_001999.4(FBN2):c.924A>G (p.Lys308=)

Gene: FBN2 (fibrillin 2; minus strand). Cytogenetic location: 5q23.3.
Variant type: single nucleotide variant.
Coding change: c.924A>G on transcript NM_001999.4 (MANE Select); coding-DNA position 924, A replaced by G.
Protein change: p.Lys308=; no amino-acid change (lysine 308 retained).
Molecular consequence: synonymous variant.
Genome position (GRCh38, 1-based): chr5:128,446,509, T>C on the plus strand (A>G on the coding strand, the complement: FBN2 is on the minus strand). VCF-style: chr5-128446509-T-C. GRCh37 (hg19) VCF-style: chr5-127782202-T-C.
Other names: c.924A>G (NM_001999.3).
Identifiers: ClinVar variation 1909936 (VCV001909936.8), dbSNP rs1237708810, ClinGen allele CA446305459.

ClinVar aggregate classification (germline): Likely benign. Review status: criteria provided, multiple submitters, no conflicts (2 of 4 stars). 3 submissions from 3 submitters: Likely benign (2). 1 of the submissions does not count toward it. Last evaluated 2026-08-01.

Conditions:
FBN2-related disorder. Also called: FBN2-related condition.
Congenital contractural arachnodactyly (CCA). Also called: Arthrogryposis, distal, type 9; BEALS SYNDROME; Beals-Hecht syndrome. Identifiers: Orphanet 115, MedGen C0220668, MONDO:0007363, OMIM 121050.

gnomAD v4.1: 6 of 1,614,008 alleles (0.00037%); highest among the groups gnomAD compares: Admixed American, 0.0017%; no homozygotes.

Submissions (3):

CeGaT Center for Human Genetics Tuebingen
Classification: Likely benign. Last evaluated: 2026-08-01. Review status: criteria provided, single submitter. Criteria: CeGaT Center For Human Genetics Tuebingen Variant Classification Criteria Version 2. Collection method: clinical testing. Allele origin: germline. Affected: yes. Observed: 1 variant allele.
Comment: FBN2: BP4, BP7

Labcorp Genetics (formerly Invitae), Labcorp
Classification: Likely benign for Congenital contractural arachnodactyly. Last evaluated: 2025-10-28. Review status: criteria provided, single submitter. Criteria: Invitae Variant Classification Sherloc (09022015). Collection method: clinical testing. Allele origin: germline.

PreventionGenetics, part of Exact Sciences
Classification: Likely benign for FBN2-related condition. Last evaluated: 2023-03-15. Review status: no assertion criteria provided. Collection method: clinical testing. Allele origin: germline. Not counted in ClinVar's aggregate classification.
Comment: This variant is classified as likely benign based on ACMG/AMP sequence variant interpretation guidelines (Richards et al. 2015 PMID: 25741868, with internal and published modifications).